The following is an entry in ClinVar:

ClinVar aggregate classification (germline): Likely pathogenic (1 of 4 stars; one submission).

Conditions:
Congenital microvillous atrophy (DIAR2). Also called: CONGENITAL FAMILIAL PROTRACTED DIARRHEA WITH ENTEROCYTE BRUSH-BORDER ABNORMALITIES; DAVIDSON DISEASE; MICROVILLUS ATROPHY, CONGENITAL; Microvillus inclusion disease; Diarrhea 2 with microvillus atrophy, with or without cholestasis. Identifiers: Orphanet 2290, MedGen C0341306, MONDO:0009635, OMIM 251850.

Submission:

Aleixo Muise Laboratory, Hospital For Sick Children
Classification: Likely pathogenic for Congenital microvillous atrophy. Last evaluated: 2024-07-05. Review status: criteria provided, single submitter. Criteria: ACMG Guidelines, 2015. Collection method: research. Allele origin: inherited. Affected: yes. Observed: 1 variant allele.
Comment: PM2;PM3;PM5;PP3;PP4

NM_001080467.3(MYO5B):c.1648A>T (p.Ile550Phe)

Gene: MYO5B (myosin VB; minus strand). Cytogenetic location: 18q21.1.
Variant type: single nucleotide variant.
Coding change: c.1648A>T on transcript NM_001080467.3 (MANE Select); coding-DNA position 1648, A replaced by T.
Protein change: p.Ile550Phe; replaces isoleucine 550 with phenylalanine.
Molecular consequence: missense variant.
Genome position (GRCh38, 1-based): chr18:49,954,333, T>A on the plus strand (A>T on the coding strand, the complement: MYO5B is on the minus strand). VCF-style: chr18-49954333-T-A. GRCh37 (hg19) VCF-style: chr18-47480703-T-A.
Other names: short protein forms I550F.
Identifiers: ClinVar variation 3255324 (VCV003255324.1).